The following is an entry in ClinVar:

NM_017866.6(TMEM70):c.573G>A (p.Thr191=)

Gene: TMEM70 (transmembrane protein 70; plus strand). Cytogenetic location: 8q21.11.
Variant type: single nucleotide variant.
Coding change: c.573G>A on transcript NM_017866.6 (MANE Select); coding-DNA position 573, G replaced by A.
Protein change: p.Thr191=; no amino-acid change (threonine 191 retained).
Molecular consequence: synonymous variant. On other transcripts: 3 prime UTR variant (1), non-coding transcript variant (1).
Genome position (GRCh38, 1-based): chr8:73,981,411, G>A. VCF-style: chr8-73981411-G-A. GRCh37 (hg19) VCF-style: chr8-74893646-G-A.
Other names: p.Thr191=; c.*263G>A (NM_001040613.3).
Identifiers: ClinVar variation 2056760 (VCV002056760.5), dbSNP rs1384663616, ClinGen allele CA461764210.
Genomic context (GRCh38, chr8:73,981,411, plus strand): 5'-CCATGAGGCCACAACAGACACTTATAAAGCCATTACCTACAATGCTATGCTTGCAGAAAC[G>A]AGTACAGTGTTTCACCAGAATGATGTGAAGATTCCAGATGCTAAACATGTATTTACCACA-3'
Protein context (NP_060336.3, residues 181-201): AITYNAMLAE[Thr191=]STVFHQNDVK

ClinVar aggregate classification (germline): Likely benign. Review status: criteria provided, multiple submitters, no conflicts (2 of 4 stars). 2 submissions from 2 submitters: Likely benign (2). Last evaluated 2026-01-29.

Conditions:
Mitochondrial complex V (ATP synthase) deficiency, nuclear type 2. Also called: Nuclear-Encoded ATPase Deficiency, TMEM70-Related; ENCEPHALOCARDIOMYOPATHY, MITOCHONDRIAL, NEONATAL, DUE TO ATP SYNTHASE DEFICIENCY; MITOCHONDRIAL COMPLEX V (ATP SYNTHASE) DEFICIENCY, TMEM70 TYPE. Identifiers: Orphanet 1194, MedGen C3279699, MONDO:0013546, OMIM 614052.

Allele frequency attached by ClinVar (database versions not stated): gnomAD 0.00001; gnomAD exomes 0.00001; TOPMed 0.00001.
gnomAD v4.1: 14 of 1,614,044 alleles (0.00087%); highest among the groups gnomAD compares: Admixed American, 0.0017%; no homozygotes.

Submissions (2):

Labcorp Genetics (formerly Invitae), Labcorp
Classification: Likely benign for Mitochondrial complex V (ATP synthase) deficiency, nuclear type 2. Last evaluated: 2026-01-29. Review status: criteria provided, single submitter. Criteria: Invitae Variant Classification Sherloc (09022015). Collection method: clinical testing. Allele origin: germline.

Mayo Clinic Laboratories, Mayo Clinic
Classification: Likely benign. Last evaluated: 2024-12-27. Review status: criteria provided, single submitter. Criteria: ACMG Guidelines, 2015. Collection method: clinical testing. Allele origin: germline. Observed: 2 variant alleles.
Comment: BP4, BP7